The following is an entry in ClinVar:

NM_006231.4(POLE):c.5209A>G (p.Asn1737Asp)

Gene: POLE (DNA polymerase epsilon, catalytic subunit; minus strand). Cytogenetic location: 12q24.33.
Variant type: single nucleotide variant.
Coding change: c.5209A>G on transcript NM_006231.4 (MANE Select); coding-DNA position 5209, A replaced by G.
Protein change: p.Asn1737Asp; replaces asparagine 1737 with aspartic acid.
Molecular consequence: missense variant.
Genome position (GRCh38, 1-based): chr12:132,641,816, T>C on the plus strand (A>G on the coding strand, the complement: POLE is on the minus strand). VCF-style: chr12-132641816-T-C. GRCh37 (hg19) VCF-style: chr12-133218402-T-C.
Other names: short protein forms N1737D.
Identifiers: ClinVar variation 1465951 (VCV001465951.8), dbSNP rs2138525930, ClinGen allele CA387376431.

ClinVar aggregate classification (germline): Uncertain significance (1 of 4 stars; one submission).

Submission:

Labcorp Genetics (formerly Invitae), Labcorp
Classification: Uncertain significance. Last evaluated: 2024-03-03. Review status: criteria provided, single submitter. Criteria: Invitae Variant Classification Sherloc (09022015). Collection method: clinical testing. Allele origin: germline.
Comment: This sequence change replaces asparagine, which is neutral and polar, with aspartic acid, which is acidic and polar, at codon 1737 of the POLE protein (p.Asn1737Asp). This variant is not present in population databases (gnomAD no frequency). This variant has not been reported in the literature in individuals affected with POLE-related conditions. ClinVar contains an entry for this variant (Variation ID: 1465951). Advanced modeling of protein sequence and biophysical properties (such as structural, functional, and spatial information, amino acid conservation, physicochemical variation, residue mobility, and thermodynamic stability) performed at Invitae indicates that this missense variant is not expected to disrupt POLE protein function with a negative predictive value of 80%. In summary, the available evidence is currently insufficient to determine the role of this variant in disease. Therefore, it has been classified as a Variant of Uncertain Significance.